The following is an entry in ClinVar:

NM_001122681.2(SH3BP2):c.-4-52C>A

Gene: SH3BP2 (SH3 domain binding protein 2; plus strand). Cytogenetic location: 4p16.3.
Variant type: single nucleotide variant.
Coding change: c.-4-52C>A on transcript NM_001122681.2 (MANE Select); 52 bases into the intron before 4 bases upstream of the start codon, C replaced by A.
Molecular consequence: intron variant.
Genome position (GRCh38, 1-based): chr4:2,820,562, C>A. VCF-style: chr4-2820562-C-A. GRCh37 (hg19) VCF-style: chr4-2822289-C-A.
Other names: c.81-52C>A (NM_001145855.2); c.168-52C>A (NM_001145856.2); c.-4-52C>A (NM_003023.4).
Identifiers: ClinVar variation 1256910 (VCV001256910.5), dbSNP rs2239727, ClinGen allele CA11632702.

ClinVar aggregate classification (germline): Benign. Review status: criteria provided, multiple submitters, no conflicts (2 of 4 stars). 3 submissions from 3 submitters: Benign (3). Last evaluated 2023-11-12.

Allele frequency attached by ClinVar (database versions not stated): 1000 Genomes Project 0.53914; 1000 Genomes Project 30x 0.53982; gnomAD 0.54608 and 0.54695; TOPMed 0.55927.
gnomAD v4.1: 882,998 of 1,611,824 alleles (55%); highest among the groups gnomAD compares: Admixed American, 66%; 243,390 homozygotes.

Submissions (3):

Unidad de Genómica Garrahan, Hospital de Pediatría Garrahan
Classification: Benign. Last evaluated: 2023-11-12. Review status: criteria provided, single submitter. Criteria: ACMG Guidelines, 2015. Collection method: clinical testing. Allele origin: germline. Affected: no. Observed: 84 variant alleles.
Comment: This variant is classified as Benign based on local population frequency. This variant was detected in 88% of patients studied by a panel of primary immunodeficiencies. Number of patients: 84. Only high quality variants are reported.

GeneDx
Classification: Benign. Last evaluated: 2021-05-14. Review status: criteria provided, single submitter. Criteria: GeneDx Variant Classification Process June 2021. Collection method: clinical testing. Allele origin: germline. Affected: yes.

Breakthrough Genomics
Classification: Benign. Review status: criteria provided, single submitter. Criteria: ACMG Guidelines, 2015. Collection method: not provided. Allele origin: germline. Inheritance: Autosomal dominant inheritance. Affected: yes.